The following is an entry in ClinVar:

NM_003640.5(ELP1):c.838C>T (p.Leu280Phe)

Gene: ELP1 (elongator acetyltransferase complex subunit 1; minus strand). Cytogenetic location: 9q31.3.
Variant type: single nucleotide variant.
Coding change: c.838C>T on transcript NM_003640.5 (MANE Select); coding-DNA position 838, C replaced by T.
Protein change: p.Leu280Phe; replaces leucine 280 with phenylalanine.
Molecular consequence: missense variant. On other transcripts: 5 prime UTR variant (1).
Genome position (GRCh38, 1-based): chr9:108,917,573, G>A on the plus strand (C>T on the coding strand, the complement: ELP1 is on the minus strand). VCF-style: chr9-108917573-G-A. GRCh37 (hg19) VCF-style: chr9-111679853-G-A.
Other names: c.496C>T, p.Leu166Phe (NM_001318360.2); c.-210C>T (NM_001330749.2); short protein forms L166F, L280F.
Identifiers: ClinVar variation 2053369 (VCV002053369.3), dbSNP rs775668128, ClinGen allele CA5175229.

ClinVar aggregate classification (germline): Uncertain significance. Review status: criteria provided, multiple submitters, no conflicts (2 of 4 stars). 2 submissions from 2 submitters: Uncertain significance (2). Last evaluated 2025-08-11.

Submissions (2):

Labcorp Genetics (formerly Invitae), Labcorp
Classification: Uncertain significance. Last evaluated: 2025-08-11. Review status: criteria provided, single submitter. Criteria: Invitae Variant Classification Sherloc (09022015). Collection method: clinical testing. Allele origin: germline.
Comment: This sequence change replaces leucine, which is neutral and non-polar, with phenylalanine, which is neutral and non-polar, at codon 280 of the ELP1 protein (p.Leu280Phe). This variant is present in population databases (rs775668128, gnomAD 0.006%). This variant has not been reported in the literature in individuals affected with ELP1-related conditions. ClinVar contains an entry for this variant (Variation ID: 2053369). Invitae Evidence Modeling of protein sequence and biophysical properties (such as structural, functional, and spatial information, amino acid conservation, physicochemical variation, residue mobility, and thermodynamic stability) indicates that this missense variant is expected to disrupt ELP1 protein function with a positive predictive value of 80%. In summary, the available evidence is currently insufficient to determine the role of this variant in disease. Therefore, it has been classified as a Variant of Uncertain Significance.

Ambry Genetics
Classification: Uncertain significance. Last evaluated: 2024-04-05. Review status: criteria provided, single submitter. Criteria: Ambry Variant Classification Scheme 2023. Collection method: clinical testing. Allele origin: germline.
Comment: The p.L280F variant (also known as c.838C>T), located in coding exon 8 of the IKBKAP gene, results from a C to T substitution at nucleotide position 838. The leucine at codon 280 is replaced by phenylalanine, an amino acid with highly similar properties. This amino acid position is conserved. In addition, the in silico prediction for this alteration is inconclusive. Based on the available evidence, the clinical significance of this variant remains unclear.